The following is an entry in ClinVar:

ClinVar aggregate classification (germline): Pathogenic (1 of 4 stars; one submission).

Submission:

Labcorp Genetics (formerly Invitae), Labcorp
Classification: Pathogenic. Last evaluated: 2023-10-19. Review status: criteria provided, single submitter. Criteria: Invitae Variant Classification Sherloc (09022015). Collection method: clinical testing. Allele origin: germline.
Comment: This sequence change creates a premature translational stop signal (p.Thr1083Glnfs*16) in the ATP8B1 gene. It is expected to result in an absent or disrupted protein product. Loss-of-function variants in ATP8B1 are known to be pathogenic (PMID: 15239083, 22525741). This variant is not present in population databases (gnomAD no frequency). This variant has not been reported in the literature in individuals affected with ATP8B1-related conditions. For these reasons, this variant has been classified as Pathogenic.

Literature cited by the submitters: PubMed 15239083; PubMed 22525741.

NM_001374385.1(ATP8B1):c.3247del (p.Thr1083fs)

Genes: ATP8B1 (ATPase phospholipid transporting 8B1; minus strand), ATP8B1-AS1 (ATP8B1 antisense RNA 1; plus strand). Cytogenetic location: 18q21.31.
Variant type: Deletion.
Coding change: c.3247del on transcript NM_001374385.1 (MANE Select); coding-DNA position 3247, one base deleted (A; older notation c.3247delA).
Protein change: p.Thr1083fs; shifts the reading frame from threonine 1083.
Molecular consequence: frameshift variant.
Genome position (GRCh38, 1-based): chr18:57,652,498, T deleted on the plus strand (A on the coding strand, the reverse complement: ATP8B1 is on the minus strand); the first of 2 consecutive T bases (chr18:57,652,498-57,652,499); deleting either gives the same sequence. VCF-style (leftmost placement, unchanged base first): chr18-57652497-GT-G. GRCh37 (hg19) VCF-style: chr18-55319729-GT-G.
Other names: c.3097del, p.Thr1033fs (NM_001374386.1); c.3247del, p.Thr1083fs (NM_005603.6); short protein forms T1033fs, T1083fs.
Identifiers: ClinVar variation 2770196 (VCV002770196.3), dbSNP rs2511618910, ClinGen allele CA2697555517.
Genomic context (GRCh38, chr18:57,652,497, plus strand): 5'-AAGTAGGTACCAATAGACACTGAATACGGCCAATGAAAGCCACGTACCTGGAAATTGACT[GT>G]TATTACAAGAGCAGAGGCAATGGTGACGGCAAAAGACTGGTAGTCGGAAGGTGCCTCTCC-3'